The following is an entry in ClinVar:

ClinVar aggregate classification (germline): Uncertain significance. Review status: criteria provided, multiple submitters, no conflicts (2 of 4 stars). 3 submissions from 3 submitters: Uncertain significance (3). Last evaluated 2025-03-26.

Conditions:
PCNT-related disorder. Also called: PCNT-related condition.

Allele frequency attached by ClinVar (database versions not stated): gnomAD exomes 0.00001.

Submissions (3):

PreventionGenetics, part of Exact Sciences
Classification: Uncertain significance for PCNT-related condition. Last evaluated: 2025-03-26. Review status: criteria provided, single submitter. Criteria: ACMG Guidelines, 2015. Collection method: clinical testing. Allele origin: germline.
Comment: The PCNT c.469G>A variant is predicted to result in the amino acid substitution p.Gly157Arg. To our knowledge, this variant has not been reported in the literature or in a large population database (gnomAD), indicating this variant is rare. At this time, the clinical significance of this variant is uncertain due to the absence of conclusive functional and genetic evidence.

Labcorp Genetics (formerly Invitae), Labcorp
Classification: Uncertain significance. Last evaluated: 2022-05-06. Review status: criteria provided, single submitter. Criteria: Invitae Variant Classification Sherloc (09022015). Collection method: clinical testing. Allele origin: germline.
Comment: This sequence change replaces glycine, which is neutral and non-polar, with arginine, which is basic and polar, at codon 157 of the PCNT protein (p.Gly157Arg). This variant is not present in population databases (gnomAD no frequency). This variant has not been reported in the literature in individuals affected with PCNT-related conditions. ClinVar contains an entry for this variant (Variation ID: 436253). Algorithms developed to predict the effect of missense changes on protein structure and function are either unavailable or do not agree on the potential impact of this missense change (SIFT: "Deleterious"; PolyPhen-2: "Benign"; Align-GVGD: "Class C0"). In summary, the available evidence is currently insufficient to determine the role of this variant in disease. Therefore, it has been classified as a Variant of Uncertain Significance.

Genetic Services Laboratory, University of Chicago
Classification: Uncertain significance. Last evaluated: 2015-08-28. Review status: criteria provided, single submitter. Criteria: ACMG Guidelines, 2015. Collection method: clinical testing. Allele origin: germline. Affected: no.

NM_006031.6(PCNT):c.469G>A (p.Gly157Arg)

Gene: PCNT (pericentrin; plus strand). Cytogenetic location: 21q22.3.
Variant type: single nucleotide variant.
Coding change: c.469G>A on transcript NM_006031.6 (MANE Select); coding-DNA position 469, G replaced by A.
Protein change: p.Gly157Arg; replaces glycine 157 with arginine.
Molecular consequence: missense variant.
Genome position (GRCh38, 1-based): chr21:46,334,598, G>A. VCF-style: chr21-46334598-G-A. GRCh37 (hg19) VCF-style: chr21-47754512-G-A.
Other names: c.115G>A, p.Gly39Arg (NM_001315529.2); short protein forms G157R, G39R.
Identifiers: ClinVar variation 436253 (VCV000436253.8), dbSNP rs1555945637, ClinGen allele CA410560551.
Genomic context (GRCh38, chr21:46,334,598, plus strand): 5'-GACCACCCACCAGAACAGCGTGGGATGTTCACAGTCAGTGACCACCCACCAGAACAGCAT[G>A]GGATGTTCACAGTCAGTGACCACCCACCAGAACAGCGTGGGATGTTCACAATCAGTGACC-3'
Protein context (NP_006022.3, residues 147-167): TVSDHPPEQH[Gly157Arg]MFTVSDHPPE